The following is an entry in ClinVar:

NM_001735.3(C5):c.407C>A (p.Thr136Asn)

Gene: C5 (complement C5; minus strand). Cytogenetic location: 9q33.2.
Variant type: single nucleotide variant.
Coding change: c.407C>A on transcript NM_001735.3 (MANE Select); coding-DNA position 407, C replaced by A.
Protein change: p.Thr136Asn; replaces threonine 136 with asparagine.
Molecular consequence: missense variant.
Genome position (GRCh38, 1-based): chr9:121,043,018, G>T on the plus strand (C>A on the coding strand, the complement: C5 is on the minus strand). VCF-style: chr9-121043018-G-T. GRCh37 (hg19) VCF-style: chr9-123805296-G-T.
Other names: c.425C>A, p.Thr142Asn (NM_001317163.2); c.407C>A, p.Thr136Asn (NM_001317164.2); short protein forms T142N, T136N.
Identifiers: ClinVar variation 1390430 (VCV001390430.7), dbSNP rs776192715, ClinGen allele CA5218411.

ClinVar aggregate classification (germline): Uncertain significance. Review status: criteria provided, multiple submitters, no conflicts (2 of 4 stars). 2 submissions from 2 submitters: Uncertain significance (2). Last evaluated 2022-09-01.

Conditions:
Eculizumab, poor response to. Identifiers: MedGen C3810402, OMIM 615749.
Complement component 5 deficiency. Also called: C5 DEFICIENCY. Identifiers: MedGen C0343047, MONDO:0012295, OMIM 609536.

Allele frequency attached by ClinVar (database versions not stated): gnomAD exomes 0.00005; ExAC 0.00008.
gnomAD v4.1: 39 of 1,612,104 alleles (0.0024%); highest among the groups gnomAD compares: South Asian, 0.04%; no homozygotes.

Submissions (2):

Labcorp Genetics (formerly Invitae), Labcorp
Classification: Uncertain significance. Last evaluated: 2022-09-01. Review status: criteria provided, single submitter. Criteria: Invitae Variant Classification Sherloc (09022015). Collection method: clinical testing. Allele origin: germline.
Comment: In summary, the available evidence is currently insufficient to determine the role of this variant in disease. Therefore, it has been classified as a Variant of Uncertain Significance. Algorithms developed to predict the effect of missense changes on protein structure and function are either unavailable or do not agree on the potential impact of this missense change (SIFT: "Deleterious"; PolyPhen-2: "Possibly Damaging"; Align-GVGD: "Class C0"). ClinVar contains an entry for this variant (Variation ID: 1390430). This variant has not been reported in the literature in individuals affected with C5-related conditions. This variant is present in population databases (rs776192715, gnomAD 0.04%). This sequence change replaces threonine, which is neutral and polar, with asparagine, which is neutral and polar, at codon 136 of the C5 protein (p.Thr136Asn).

Fulgent Genetics
Classification: Uncertain significance for Complement component 5 deficiency; Eculizumab, poor response to. Last evaluated: 2021-12-06. Review status: criteria provided, single submitter. Criteria: ACMG Guidelines, 2015. Collection method: clinical testing. Allele origin: unknown.